The following is an entry in ClinVar:

ClinVar aggregate classification (germline): Benign (3 of 4 stars; one submission).

Conditions:
Breast-ovarian cancer, familial, susceptibility to, 2 (BROVCA2). Also called: BRCA2 Hereditary Breast and Ovarian Cancer. Identifiers: Orphanet 145, MedGen C2675520, MONDO:0012933, OMIM 612555. Disease mechanism: loss of function.

Allele frequency attached by ClinVar (database versions not stated): 1000 Genomes Project 0.00379; 1000 Genomes Project 30x 0.00390; TOPMed 0.00394.
gnomAD v4.1: 535 of 152,080 alleles (0.35%); highest among the groups gnomAD compares: African/African-American, 1.3%; 2 homozygotes.

Submission:

Evidence-based Network for the Interpretation of Germline Mutant Alleles (ENIGMA)
Classification: Benign for Breast-ovarian cancer, familial, susceptibility to, 2. Last evaluated: 2016-09-28. Review status: reviewed by expert panel. Criteria: ENIGMA BRCA1/2 Classification Criteria (2015). Collection method: curation. Allele origin: germline.
Comment: Class 1 not pathogenic based on frequency >1% in an outbred sampleset. Frequency 0.0136 (African), derived from 1000 genomes (2013-05-02).

NM_000059.4(BRCA2):c.9648+544G>A

Gene: BRCA2 (BRCA2 DNA repair associated; plus strand). Cytogenetic location: 13q13.1.
Variant type: single nucleotide variant.
Coding change: c.9648+544G>A on transcript NM_000059.4 (MANE Select); 544 bases into the intron after coding-DNA position 9648, G replaced by A.
Molecular consequence: intron variant.
Genome position (GRCh38, 1-based): chr13:32,397,588, G>A. VCF-style: chr13-32397588-G-A. GRCh37 (hg19) VCF-style: chr13-32971725-G-A.
Identifiers: ClinVar variation 264886 (VCV000264886.1), dbSNP rs11571826, ClinGen allele CA10588176.
Genomic context (GRCh38, chr13:32,397,588, plus strand): 5'-TTTGGAAACTGATTTTAAGGGAAGTGATGTATAACAAAACCATTTTTTTTTCTCATCACT[G>A]TTCTAACAAAATGATGTTGAAGATTTAAATGACATTGCTCAAAGACCTGCTATACATTGT-3'